The following is an entry in ClinVar:

NM_005188.4(CBL):c.1517G>A (p.Arg506Gln)

Gene: CBL (Cbl proto-oncogene; plus strand). Cytogenetic location: 11q23.3.
Variant type: single nucleotide variant.
Coding change: c.1517G>A on transcript NM_005188.4 (MANE Select); coding-DNA position 1517, G replaced by A.
Protein change: p.Arg506Gln; replaces arginine 506 with glutamine.
Molecular consequence: missense variant.
Genome position (GRCh38, 1-based): chr11:119,285,054, G>A. VCF-style: chr11-119285054-G-A. GRCh37 (hg19) VCF-style: chr11-119155764-G-A.
Other names: short protein forms R506Q.
Identifiers: ClinVar variation 2038821 (VCV002038821.4), dbSNP rs746728465, ClinGen allele CA382918241.
Genomic context (GRCh38, chr11:119,285,054, plus strand): 5'-CCATGGCCCCACAAGCTTCCCTTCCCCCGGTGCCACCACGACTTGACCTTCTGCCGCAGC[G>A]AGTATGTGTTCCCTCAAGTGCTTCTGCTCTTGGAACTGCTTCTAAGGTAAAGCATTTTCC-3'
Protein context (NP_005179.2, residues 496-516): VPPRLDLLPQ[Arg506Gln]VCVPSSASAL

ClinVar aggregate classification (germline): Uncertain significance (1 of 4 stars; one submission).

Conditions:
RASopathy. Also called: Noonan spectrum disorder; rasopathies. Identifiers: Orphanet 536391, MedGen C5555857, MONDO:0021060.

gnomAD v4.1: 5 of 1,614,124 alleles (0.00031%); highest among the groups gnomAD compares: Non-Finnish European, 0.00042%; no homozygotes.

Submission:

Labcorp Genetics (formerly Invitae), Labcorp
Classification: Uncertain significance for RASopathy. Last evaluated: 2023-07-26. Review status: criteria provided, single submitter. Criteria: Invitae Variant Classification Sherloc (09022015). Collection method: clinical testing. Allele origin: germline.
Comment: Advanced modeling of protein sequence and biophysical properties (such as structural, functional, and spatial information, amino acid conservation, physicochemical variation, residue mobility, and thermodynamic stability) performed at Invitae indicates that this missense variant is not expected to disrupt CBL protein function. This sequence change replaces arginine, which is basic and polar, with glutamine, which is neutral and polar, at codon 506 of the CBL protein (p.Arg506Gln). This variant is not present in population databases (gnomAD no frequency). This variant has not been reported in the literature in individuals affected with CBL-related conditions. ClinVar contains an entry for this variant (Variation ID: 2038821). In summary, the available evidence is currently insufficient to determine the role of this variant in disease. Therefore, it has been classified as a Variant of Uncertain Significance.